The following is an entry in ClinVar:

ClinVar aggregate classification (germline): Pathogenic (1 of 4 stars; one submission).

Submission:

Labcorp Genetics (formerly Invitae), Labcorp
Classification: Pathogenic. Last evaluated: 2025-07-27. Review status: criteria provided, single submitter. Criteria: Invitae Variant Classification Sherloc (09022015). Collection method: clinical testing. Allele origin: germline.
Comment: This sequence change creates a premature translational stop signal (p.Pro409Thrfs*37) in the FCHO1 gene. It is expected to result in an absent or disrupted protein product. Loss-of-function variants in FCHO1 are known to be pathogenic (PMID: 30822429). This variant is not present in population databases (gnomAD no frequency). This variant has not been reported in the literature in individuals affected with FCHO1-related conditions. For these reasons, this variant has been classified as Pathogenic.

Literature cited by the submitters: PubMed 30822429.

NM_015122.3(FCHO1):c.1224dup (p.Pro409fs)

Genes: FCHO1 (FCH and mu domain containing endocytic adaptor 1; plus strand), LOC130063960 (ATAC-STARR-seq lymphoblastoid active region 14285; plus strand). Cytogenetic location: 19p13.11.
Variant type: Duplication.
Coding change: c.1224dup on transcript NM_015122.3 (MANE Select); coding-DNA position 1224, one base duplicated (A; older notation c.1224dupA).
Protein change: p.Pro409fs; shifts the reading frame from proline 409.
Molecular consequence: frameshift variant. On other transcripts: non-coding transcript variant (36), intron variant (1).
Genome position (GRCh38, 1-based): chr19:17,776,651, A duplicated; the last of 3 consecutive A bases (chr19:17,776,649-17,776,651); duplicating any one gives the same sequence. VCF-style (leftmost placement, unchanged base first): chr19-17776648-G-GA. GRCh37 (hg19) VCF-style: chr19-17887457-G-GA.
Other names: c.1224dup, p.Pro409fs (NM_001161357.2, NM_001161358.2, NM_001384370.1 and 25 more transcripts); c.1074dup, p.Pro359fs (NM_001161359.2, NM_001384384.1, NM_001384385.1 and 2 more transcripts); c.1185dup, p.Pro396fs (NM_001384388.1, NM_001384389.1, NM_001384405.1); c.1149dup, p.Pro384fs (NM_001384390.1); c.1179dup, p.Pro394fs (NM_001384403.1); c.1057+380dup (NM_001384407.1); short protein forms P394fs, P396fs, P409fs, P359fs, P384fs.
Identifiers: ClinVar variation 4768425 (VCV004768425.1).